The following is an entry in ClinVar:

NM_001365951.3(KIF1B):c.3208A>G (p.Ser1070Gly)

Gene: KIF1B (kinesin family member 1B; plus strand). Cytogenetic location: 1p36.22.
Variant type: single nucleotide variant.
Coding change: c.3208A>G on transcript NM_001365951.3 (MANE Select); coding-DNA position 3208, A replaced by G.
Protein change: p.Ser1070Gly; replaces serine 1070 with glycine.
Molecular consequence: missense variant.
Genome position (GRCh38, 1-based): chr1:10,337,152, A>G. VCF-style: chr1-10337152-A-G. GRCh37 (hg19) VCF-style: chr1-10397210-A-G.
Other names: c.3208A>G, p.Ser1070Gly (NM_001365952.1); c.3070A>G, p.Ser1024Gly (NM_015074.3); short protein forms S1070G, S1024G.
Identifiers: ClinVar variation 1944399 (VCV001944399.5), dbSNP rs2521719325, ClinGen allele CA338339905.
Genomic context (GRCh38, chr1:10,337,152, plus strand): 5'-GCAATGACTCGTTCTGGTCTGTCCTTGGAGGAGTTGAGGATTGTGGAAGGACAGGGTCAG[A>G]GTTCTGAGGTCATCACTCCTCCAGAAGAAATCAGTCGAATTAATGACTTGGGTATGTAGA-3'
Protein context (NP_001352880.1, residues 1060-1080): ELRIVEGQGQ[Ser1070Gly]SEVITPPEEI

ClinVar aggregate classification (germline): Uncertain significance (1 of 4 stars; one submission).

Conditions:
Charcot-Marie-Tooth disease type 2. Also called: Charcot-Marie-Tooth type 2. Identifiers: Orphanet 64746, MedGen C0270914, MONDO:0018993.

Allele frequency attached by ClinVar (database versions not stated): gnomAD exomes below 0.00001.
gnomAD v4.1: 1 of 1,614,092 alleles (0.000062%); highest among the groups gnomAD compares: Non-Finnish European, 0.000085%; no homozygotes.

Submission:

Labcorp Genetics (formerly Invitae), Labcorp
Classification: Uncertain significance for Charcot-Marie-Tooth disease type 2. Last evaluated: 2022-08-23. Review status: criteria provided, single submitter. Criteria: Invitae Variant Classification Sherloc (09022015). Collection method: clinical testing. Allele origin: germline.
Comment: This sequence change replaces serine, which is neutral and polar, with glycine, which is neutral and non-polar, at codon 1024 of the KIF1B protein (p.Ser1024Gly). This variant is not present in population databases (gnomAD no frequency). This variant has not been reported in the literature in individuals affected with KIF1B-related conditions. Algorithms developed to predict the effect of missense changes on protein structure and function (SIFT, PolyPhen-2, Align-GVGD) all suggest that this variant is likely to be tolerated. In summary, the available evidence is currently insufficient to determine the role of this variant in disease. Therefore, it has been classified as a Variant of Uncertain Significance.